The following is an entry in ClinVar:

NM_002485.5(NBN):c.97A>G (p.Ile33Val)

Gene: NBN (nibrin; minus strand). Cytogenetic location: 8q21.3.
Variant type: single nucleotide variant.
Coding change: c.97A>G on transcript NM_002485.5 (MANE Select); coding-DNA position 97, A replaced by G.
Protein change: p.Ile33Val; replaces isoleucine 33 with valine.
Molecular consequence: missense variant. On other transcripts: 5 prime UTR variant (1).
Genome position (GRCh38, 1-based): chr8:89,982,796, T>C on the plus strand (A>G on the coding strand, the complement: NBN is on the minus strand). VCF-style: chr8-89982796-T-C. GRCh37 (hg19) VCF-style: chr8-90995024-T-C.
Other names: c.-200A>G (NM_001024688.3); short protein forms I33V.
Identifiers: ClinVar variation 584730 (VCV000584730.22), dbSNP rs1563584435, ClinGen allele CA371663305.

ClinVar aggregate classification (germline): Uncertain significance. Review status: criteria provided, multiple submitters, no conflicts (2 of 4 stars). 5 submissions from 5 submitters: Uncertain significance (4). 1 of the submissions does not count toward it. Last evaluated 2023-05-11.

Conditions:
Microcephaly, normal intelligence and immunodeficiency (NBS). Also called: Ataxia telangiectasia variant V1; SEEMANOVA SYNDROME II; Immunodeficiency, microcephaly with normal intelligence; Nijmegen breakage syndrome; Microcephaly with normal intelligence immunodeficiency and lymphoreticular malignancies; Nonsyndromal microcephaly autosomal recessive with normal intelligence. Identifiers: Orphanet 647, MedGen C0398791, MONDO:0009623, OMIM 251260.
Hereditary cancer-predisposing syndrome. Also called: Neoplastic Syndromes, Hereditary; Hereditary Cancer Syndrome; Tumor predisposition; Hereditary neoplastic syndrome. Identifiers: Orphanet 140162, MedGen C0027672, MeSH D009386, MONDO:0015356.

Submissions (5):

Ambry Genetics
Classification: Uncertain significance for Hereditary cancer-predisposing syndrome. Last evaluated: 2023-05-11. Review status: criteria provided, single submitter. Criteria: Ambry Variant Classification Scheme 2023. Collection method: clinical testing. Allele origin: germline.
Comment: The p.I33V variant (also known as c.97A>G), located in coding exon 2 of the NBN gene, results from an A to G substitution at nucleotide position 97. The isoleucine at codon 33 is replaced by valine, an amino acid with highly similar properties. This alteration was detected in a cohort of 1663 Brazilian breast cancer patients who underwent hereditary multigene panel testing (Guindalini RSC et al. Sci Rep, 2022 Mar;12:4190). This amino acid position is highly conserved in available vertebrate species. In addition, the in silico prediction for this alteration is inconclusive. Since supporting evidence is limited at this time, the clinical significance of this alteration remains unclear.

Labcorp Genetics (formerly Invitae), Labcorp
Classification: Uncertain significance for Microcephaly, normal intelligence and immunodeficiency. Last evaluated: 2022-12-31. Review status: criteria provided, single submitter. Criteria: Invitae Variant Classification Sherloc (09022015). Collection method: clinical testing. Allele origin: germline.
Comment: This sequence change replaces isoleucine, which is neutral and non-polar, with valine, which is neutral and non-polar, at codon 33 of the NBN protein (p.Ile33Val). This variant is not present in population databases (gnomAD no frequency). This variant has not been reported in the literature in individuals affected with NBN-related conditions. ClinVar contains an entry for this variant (Variation ID: 584730). Algorithms developed to predict the effect of missense changes on protein structure and function are either unavailable or do not agree on the potential impact of this missense change (SIFT: "Tolerated"; PolyPhen-2: "Probably Damaging"; Align-GVGD: "Class C0"). In summary, the available evidence is currently insufficient to determine the role of this variant in disease. Therefore, it has been classified as a Variant of Uncertain Significance.

Genome-Nilou Lab
Classification: Uncertain significance for Microcephaly, normal intelligence and immunodeficiency. Last evaluated: 2021-11-07. Review status: criteria provided, single submitter. Criteria: ACMG Guidelines, 2015. Collection method: clinical testing. Allele origin: germline. Affected: no.

Mendelics
Classification: Uncertain significance for Microcephaly, normal intelligence and immunodeficiency. Last evaluated: 2018-07-02. Review status: criteria provided, single submitter. Criteria: Mendelics Assertion Criteria 2017. Collection method: clinical testing. Allele origin: unknown.

Natera, Inc.
Classification: Uncertain significance for Nijmegen breakage syndrome. Last evaluated: 2020-11-17. Review status: no assertion criteria provided. Collection method: clinical testing. Allele origin: germline. Not counted in ClinVar's aggregate classification.

Literature cited by the submitters: PubMed 35264596 (cited by Ambry Genetics).